The following is an entry in ClinVar:

NM_152703.5(SAMD9L):c.4531G>C (p.Asp1511His)

Gene: SAMD9L (sterile alpha motif domain containing 9 like; minus strand). Cytogenetic location: 7q21.2.
Variant type: single nucleotide variant.
Coding change: c.4531G>C on transcript NM_152703.5 (MANE Select); coding-DNA position 4531, G replaced by C.
Protein change: p.Asp1511His; replaces aspartic acid 1511 with histidine.
Molecular consequence: missense variant.
Genome position (GRCh38, 1-based): chr7:93,131,441, C>G on the plus strand (G>C on the coding strand, the complement: SAMD9L is on the minus strand). VCF-style: chr7-93131441-C-G. GRCh37 (hg19) VCF-style: chr7-92760754-C-G.
Other names: c.4531G>C, p.Asp1511His (NM_001303496.3, NM_001303497.3, NM_001303498.3 and 5 more transcripts); short protein forms D1511H.
Identifiers: ClinVar variation 3792311 (VCV003792311.1).

ClinVar aggregate classification (germline): Uncertain significance (1 of 4 stars; one submission).

Conditions:
Inborn genetic diseases. Identifiers: MedGen C0950123, MeSH D030342.

gnomAD v4.1: 1 of 1,613,740 alleles (0.000062%); highest among the groups gnomAD compares: South Asian, 0.0011%; no homozygotes.

Submission:

Ambry Genetics
Classification: Uncertain significance for Inborn genetic diseases. Last evaluated: 2025-01-13. Review status: criteria provided, single submitter. Criteria: Ambry Variant Classification Scheme 2023. Collection method: clinical testing. Allele origin: germline.
Comment: The p.D1511H variant (also known as c.4531G>C), located in coding exon 1 of the SAMD9L gene, results from a G to C substitution at nucleotide position 4531. The aspartic acid at codon 1511 is replaced by histidine, an amino acid with similar properties. This amino acid position is conserved. In addition, this alteration is predicted to be tolerated by in silico analysis. Based on the available evidence, the clinical significance of this variant remains unclear.